The following is an entry in ClinVar:

ClinVar aggregate classification (germline): Uncertain significance (1 of 4 stars; one submission).

Conditions:
Periodic fever-infantile enterocolitis-autoinflammatory syndrome. Also called: Autoinflammation with infantile enterocolitis. Identifiers: Orphanet 436166, MedGen C4015067, MONDO:0014472, OMIM 616050.
Familial cold autoinflammatory syndrome 4 (FCAS4). Identifiers: Orphanet 47045, Orphanet 576349, MedGen C4015276, MONDO:0014498, OMIM 616115.

Allele frequency attached by ClinVar (database versions not stated): TOPMed below 0.00001.
gnomAD v4.1: 2 of 1,614,252 alleles (0.00012%); highest among the groups gnomAD compares: Non-Finnish European, 0.00017%; no homozygotes.

Submission:

Labcorp Genetics (formerly Invitae), Labcorp
Classification: Uncertain significance for Periodic fever-infantile enterocolitis-autoinflammatory syndrome; Familial cold autoinflammatory syndrome 4. Last evaluated: 2022-03-13. Review status: criteria provided, single submitter. Criteria: Invitae Variant Classification Sherloc (09022015). Collection method: clinical testing. Allele origin: germline.
Comment: In summary, the available evidence is currently insufficient to determine the role of this variant in disease. Therefore, it has been classified as a Variant of Uncertain Significance. Algorithms developed to predict the effect of missense changes on protein structure and function are either unavailable or do not agree on the potential impact of this missense change (SIFT: "Deleterious"; PolyPhen-2: "Probably Damaging"; Align-GVGD: "Class C0"). This variant has not been reported in the literature in individuals affected with NLRC4-related conditions. This variant is not present in population databases (gnomAD no frequency). This sequence change replaces lysine, which is basic and polar, with threonine, which is neutral and polar, at codon 674 of the NLRC4 protein (p.Lys674Thr).

NM_001199138.2(NLRC4):c.2021A>C (p.Lys674Thr)

Gene: NLRC4 (NLR family CARD domain containing 4; minus strand). Cytogenetic location: 2p22.3.
Variant type: single nucleotide variant.
Coding change: c.2021A>C on transcript NM_001199138.2 (MANE Select); coding-DNA position 2021, A replaced by C.
Protein change: p.Lys674Thr; replaces lysine 674 with threonine.
Molecular consequence: missense variant. On other transcripts: intron variant (1).
Genome position (GRCh38, 1-based): chr2:32,249,843, T>G on the plus strand (A>C on the coding strand, the complement: NLRC4 is on the minus strand). VCF-style: chr2-32249843-T-G. GRCh37 (hg19) VCF-style: chr2-32474912-T-G.
Other names: c.2021A>C, p.Lys674Thr (NM_001199139.2, NM_021209.5); c.262+2576A>C (NM_001302504.1); short protein forms K674T.
Identifiers: ClinVar variation 2179735 (VCV002179735.4), dbSNP rs759160311, ClinGen allele CA346511179.